The following is an entry in ClinVar:

NM_018979.4(WNK1):c.4234G>A (p.Val1412Ile)

Gene: WNK1 (WNK lysine deficient protein kinase 1; plus strand). Cytogenetic location: 12p13.33.
Variant type: single nucleotide variant.
Coding change: c.4234G>A on transcript NM_018979.4 (MANE Select); coding-DNA position 4234, G replaced by A.
Protein change: p.Val1412Ile; replaces valine 1412 with isoleucine.
Molecular consequence: missense variant.
Genome position (GRCh38, 1-based): chr12:885,038, G>A. VCF-style: chr12-885038-G-A. GRCh37 (hg19) VCF-style: chr12-994204-G-A.
Other names: c.5014G>A, p.Val1672Ile (NM_001184985.2); c.3493G>A, p.Val1165Ile (NM_014823.3); c.4990G>A, p.Val1664Ile (NM_213655.5); short protein forms V1165I, V1664I, V1412I, V1672I.
Identifiers: ClinVar variation 2076879 (VCV002076879.4), dbSNP rs765231847, ClinGen allele CA6382939.

ClinVar aggregate classification (germline): Uncertain significance (1 of 4 stars; one submission).

Conditions:
Neuropathy, hereditary sensory and autonomic, type 2A (HSAN2A). Also called: ACROOSTEOLYSIS, GIACCAI TYPE; ACROOSTEOLYSIS, NEUROGENIC; MORVAN DISEASE; NEUROPATHY, CONGENITAL SENSORY; NEUROPATHY, HEREDITARY SENSORY RADICULAR, AUTOSOMAL RECESSIVE; NEUROPATHY, HEREDITARY SENSORY, TYPE IIA. Identifiers: Orphanet 970, MedGen C2752089, MONDO:0024309, OMIM 201300.
Pseudohypoaldosteronism type 2C (PHA2C). Also called: Pseudohypoaldosteronism Type IIC. Identifiers: Orphanet 757, Orphanet 88940, MedGen C1840391, MONDO:0013778, OMIM 614492.

Allele frequency attached by ClinVar (database versions not stated): gnomAD 0.00001; gnomAD exomes 0.00001; TOPMed 0.00001; ExAC 0.00002.
gnomAD v4.1: 24 of 1,614,072 alleles (0.0015%); highest among the groups gnomAD compares: African/African-American, 0.004%; no homozygotes.

Submission:

Labcorp Genetics (formerly Invitae), Labcorp
Classification: Uncertain significance for Neuropathy, hereditary sensory and autonomic, type 2A; Pseudohypoaldosteronism type 2C. Last evaluated: 2025-10-26. Review status: criteria provided, single submitter. Criteria: Invitae Variant Classification Sherloc (09022015). Collection method: clinical testing. Allele origin: germline.
Comment: This sequence change replaces valine, which is neutral and non-polar, with isoleucine, which is neutral and non-polar, at codon 1664 of the WNK1 protein (p.Val1664Ile). This variant is present in population databases (rs765231847, gnomAD 0.007%). This variant has not been reported in the literature in individuals affected with WNK1-related conditions. ClinVar contains an entry for this variant (Variation ID: 2076879). Invitae Evidence Modeling of protein sequence and biophysical properties (such as structural, functional, and spatial information, amino acid conservation, physicochemical variation, residue mobility, and thermodynamic stability) indicates that this missense variant is not expected to disrupt WNK1 protein function with a negative predictive value of 95%. In summary, the available evidence is currently insufficient to determine the role of this variant in disease. Therefore, it has been classified as a Variant of Uncertain Significance.